The following is an entry in ClinVar:

ClinVar aggregate classification (germline): Benign (0 of 4 stars; one submission).

Conditions:
CPB2-related disorder. Also called: CPB2-related condition.

Allele frequency attached by ClinVar (database versions not stated): gnomAD exomes 0.07847; ESP Exome Variant Server 0.08381; gnomAD 0.09478; ExAC 0.10540; TOPMed 0.10691; 1000 Genomes Project 30x 0.14085; 1000 Genomes Project 0.14337.
gnomAD v4.1: 129,853 of 1,613,616 alleles (8%); highest among the groups gnomAD compares: East Asian, 29%; 7,048 homozygotes.

Submission:

PreventionGenetics, part of Exact Sciences
Classification: Benign for CPB2-related condition. Last evaluated: 2019-11-19. Review status: no assertion criteria provided. Collection method: clinical testing. Allele origin: germline.
Comment: This variant is classified as benign based on ACMG/AMP sequence variant interpretation guidelines (Richards et al. 2015 PMID: 25741868, with internal and published modifications).

NM_001872.5(CPB2):c.753C>T (p.Ile251=)

Genes: CPB2 (carboxypeptidase B2; minus strand), CPB2-AS1 (CPB2 antisense RNA 1; plus strand). Cytogenetic location: 13q14.13.
Variant type: single nucleotide variant.
Coding change: c.753C>T on transcript NM_001872.5 (MANE Select); coding-DNA position 753, C replaced by T.
Protein change: p.Ile251=; no amino-acid change (isoleucine 251 retained).
Molecular consequence: synonymous variant.
Genome position (GRCh38, 1-based): chr13:46,064,691, G>A on the plus strand (C>T on the coding strand, the complement: CPB2 is on the minus strand). VCF-style: chr13-46064691-G-A. GRCh37 (hg19) VCF-style: chr13-46638826-G-A.
Other names: c.642C>T, p.Ile214= (NM_001278541.2).
Identifiers: ClinVar variation 3059439 (VCV003059439.2), dbSNP rs2277440, ClinGen allele CA6974857.